The following is an entry in ClinVar:

NM_014908.4(DOLK):c.1314C>T (p.Leu438=)

Gene: DOLK (dolichol kinase; minus strand). Cytogenetic location: 9q34.11.
Variant type: single nucleotide variant.
Coding change: c.1314C>T on transcript NM_014908.4 (MANE Select); coding-DNA position 1314, C replaced by T.
Protein change: p.Leu438=; no amino-acid change (leucine 438 retained).
Molecular consequence: synonymous variant.
Genome position (GRCh38, 1-based): chr9:128,945,990, G>A on the plus strand (C>T on the coding strand, the complement: DOLK is on the minus strand). VCF-style: chr9-128945990-G-A. GRCh37 (hg19) VCF-style: chr9-131708269-G-A.
Other names: p.Leu438=.
Identifiers: ClinVar variation 227333 (VCV000227333.55), dbSNP rs148118523, ClinGen allele CA5271589.
Genomic context (GRCh38, chr9:128,945,990, plus strand): 5'-ACCGAAGATGGAGGCCACAGTATCACCCACACCCACAGCCAGGACACCGGCATAGGGGAC[G>A]AGGGCCCTGGCTCCTCCCAGGCTACCCTTCTGTGTGCAGGGTCTGGGGATCAGCCAGATG-3'
Protein context (NP_055723.1, residues 428-448): QKGSLGGARA[Leu438=]VPYAGVLAVG

ClinVar aggregate classification (germline): Conflicting classifications of pathogenicity. Review status: criteria provided, conflicting classifications (1 of 4 stars). 11 submissions from 11 submitters: Uncertain significance (1); Likely benign (10). Last evaluated 2026-01-31.

Conditions:
Cardiovascular phenotype. Identifiers: MedGen CN230736.
DK1-congenital disorder of glycosylation. Also called: DK1-CDG; DOLK-congenital disorder of glycosylation; Carbohydrate deficient glycoprotein syndrome type 1m; CONGENITAL DISORDER OF GLYCOSYLATION, TYPE Im; CDG Im; DK1 DEFICIENCY. Identifiers: Orphanet 91131, MedGen C1835849, MONDO:0012556, OMIM 610768.

Allele frequency attached by ClinVar (database versions not stated): 1000 Genomes Project 30x 0.00031; 1000 Genomes Project 0.00040; gnomAD exomes 0.00059 and 0.00115; ExAC 0.00062; gnomAD 0.00071 and 0.00072; TOPMed 0.00083; ESP Exome Variant Server 0.00100.

Submissions (11):

Labcorp Genetics (formerly Invitae), Labcorp
Classification: Likely benign for DK1-congenital disorder of glycosylation. Last evaluated: 2026-01-31. Review status: criteria provided, single submitter. Criteria: Invitae Variant Classification Sherloc (09022015). Collection method: clinical testing. Allele origin: germline.

Mayo Clinic Laboratories, Mayo Clinic
Classification: Likely benign. Last evaluated: 2025-09-29. Review status: criteria provided, single submitter. Criteria: ACMG Guidelines, 2015. Collection method: clinical testing. Allele origin: germline. Observed: 4 variant alleles.
Comment: BS1, BP4, BP7

Molecular Diagnostic Laboratory for Inherited Cardiovascular Disease, Montreal Heart Institute
Classification: Likely benign. Last evaluated: 2025-04-09. Review status: criteria provided, single submitter. Criteria: ACMG Guidelines, 2015. Collection method: clinical testing. Allele origin: germline. Affected: no.
Comment: BS1;BP6;BP7

Blueprint Genetics
Classification: Likely benign. Last evaluated: 2024-11-27. Review status: criteria provided, single submitter. Criteria: ACMG Guidelines, 2015. Collection method: clinical testing. Allele origin: germline.

ARUP Laboratories, Molecular Genetics and Genomics, ARUP Laboratories
Classification: Likely benign for DK1-congenital disorder of glycosylation. Last evaluated: 2024-05-08. Review status: criteria provided, single submitter. Criteria: ARUP Molecular Germline Variant Investigation Process 2024. Collection method: clinical testing. Allele origin: germline.

CeGaT Center for Human Genetics Tuebingen
Classification: Likely benign. Last evaluated: 2023-08-01. Review status: criteria provided, single submitter. Criteria: CeGaT Center For Human Genetics Tuebingen Variant Classification Criteria Version 2. Collection method: clinical testing. Allele origin: germline. Affected: yes. Observed: 1 variant allele.
Comment: DOLK: BP4, BP7

Women's Health and Genetics/Laboratory Corporation of America, LabCorp
Classification: Likely benign. Last evaluated: 2023-07-29. Review status: criteria provided, single submitter. Criteria: LabCorp Variant Classification Summary - May 2015. Collection method: clinical testing. Allele origin: germline.

GeneDx
Classification: Likely benign. Last evaluated: 2020-12-07. Review status: criteria provided, single submitter. Criteria: GeneDx Variant Classification Process June 2021. Collection method: clinical testing. Allele origin: germline. Affected: yes.

Ambry Genetics
Classification: Likely benign for Cardiovascular phenotype. Last evaluated: 2019-03-07. Review status: criteria provided, single submitter. Criteria: Ambry Variant Classification Scheme 2023. Collection method: clinical testing. Allele origin: germline.

Illumina Laboratory Services, Illumina
Classification: Uncertain significance for DK1-congenital disorder of glycosylation. Last evaluated: 2018-01-12. Review status: criteria provided, single submitter. Criteria: ICSL Variant Classification Criteria 13 December 2019. Collection method: clinical testing. Allele origin: germline.

Laboratory for Molecular Medicine, Mass General Brigham Personalized Medicine
Classification: Likely benign. Last evaluated: 2015-04-14. Review status: criteria provided, single submitter. Criteria: LMM Criteria. Collection method: clinical testing. Allele origin: germline. Observed: 1 variant allele.
Comment: p.Leu438Leu in exon 1 of DOLK: This variant is not expected to have clinical sig nificance because it does not alter an amino acid residue and is not located wit hin the splice consensus sequence. It has been identified in 0.1% (61/66724) of European chromosomes by the Exome Aggregation Consortium (ExAC; dbSNP rs148118523).